The following is an entry in ClinVar:

NM_024735.5(FBXO31):c.1182G>A (p.Arg394=)

Gene: FBXO31 (F-box protein 31; minus strand). Cytogenetic location: 16q24.2.
Variant type: single nucleotide variant.
Coding change: c.1182G>A on transcript NM_024735.5 (MANE Select); coding-DNA position 1182, G replaced by A.
Protein change: p.Arg394=; no amino-acid change (arginine 394 retained).
Molecular consequence: synonymous variant.
Genome position (GRCh38, 1-based): chr16:87,334,101, C>T on the plus strand (G>A on the coding strand, the complement: FBXO31 is on the minus strand). VCF-style: chr16-87334101-C-T. GRCh37 (hg19) VCF-style: chr16-87367707-C-T.
Other names: c.666G>A, p.Arg222= (NM_001282683.2).
Identifiers: ClinVar variation 2646952 (VCV002646952.24), dbSNP rs757450172, ClinGen allele CA286125751.

ClinVar aggregate classification (germline): Likely benign (1 of 4 stars; one submission).

Allele frequency attached by ClinVar (database versions not stated): gnomAD 0.00001; TOPMed 0.00002.
gnomAD v4.1: 52 of 1,609,890 alleles (0.0032%); highest among the groups gnomAD compares: Non-Finnish European, 0.0044%; no homozygotes.

Submission:

CeGaT Center for Human Genetics Tuebingen
Classification: Likely benign. Last evaluated: 2022-05-01. Review status: criteria provided, single submitter. Criteria: CeGaT Center For Human Genetics Tuebingen Variant Classification Criteria Version 2. Collection method: clinical testing. Allele origin: germline. Affected: yes. Observed: 1 variant allele.
Comment: FBXO31: BP4, BP7